The following is an entry in ClinVar:

ClinVar aggregate classification (germline): Benign/Likely benign. Review status: criteria provided, multiple submitters, no conflicts (2 of 4 stars). 10 submissions from 10 submitters: Benign (2); Likely benign (5). 3 of the submissions do not count toward it. Last evaluated 2026-01-26.

Conditions:
ADGRV1-related disorder. Also called: ADGRV1-related condition; ADGRV1-related disorders.
Inborn genetic diseases. Identifiers: MedGen C0950123, MeSH D030342.

Allele frequency attached by ClinVar (database versions not stated): gnomAD exomes 0.00042; ExAC 0.00048; 1000 Genomes Project 30x 0.00109; 1000 Genomes Project 0.00120; gnomAD 0.00189 and 0.00202; TOPMed 0.00204; ESP Exome Variant Server 0.00210.
gnomAD v4.1: 528 of 1,587,746 alleles (0.033%); highest among the groups gnomAD compares: African/African-American, 0.64%; 2 homozygotes.

Submissions (10):

Labcorp Genetics (formerly Invitae), Labcorp
Classification: Likely benign. Last evaluated: 2026-01-26. Review status: criteria provided, single submitter. Criteria: Invitae Variant Classification Sherloc (09022015). Collection method: clinical testing. Allele origin: germline.

Ambry Genetics
Classification: Likely benign for Inborn genetic diseases. Last evaluated: 2025-04-16. Review status: criteria provided, single submitter. Criteria: Ambry Variant Classification Scheme 2023. Collection method: clinical testing. Allele origin: germline.

Blueprint Genetics
Classification: Likely benign. Last evaluated: 2024-08-08. Review status: criteria provided, single submitter. Criteria: ACMG Guidelines, 2015. Collection method: clinical testing. Allele origin: germline.

GeneDx
Classification: Benign. Last evaluated: 2021-03-03. Review status: criteria provided, single submitter. Criteria: GeneDx Variant Classification Process June 2021. Collection method: clinical testing. Allele origin: germline. Affected: yes.

Eurofins Ntd Llc (ga)
Classification: Likely benign. Last evaluated: 2016-04-04. Review status: criteria provided, single submitter. Criteria: EGL Classification Definitions 2015. Collection method: clinical testing. Allele origin: germline. Observed: 3 variant alleles, 3 heterozygotes.

Laboratory for Molecular Medicine, Mass General Brigham Personalized Medicine
Classification: Benign. Last evaluated: 2012-04-30. Review status: criteria provided, single submitter. Criteria: LMM Criteria. Collection method: clinical testing. Allele origin: germline. Observed: 2 variant alleles.
Comment: Gln4981His in Exon 73 of GPR98: This variant is not expected to have clinical si gnificance because it has been identified in 0.7% (20/3016) of African American chromosomes from a broad population by the NHLBI Exome Sequencing Project.

Breakthrough Genomics
Classification: Likely benign. Review status: criteria provided, single submitter. Criteria: ACMG Guidelines, 2015. Collection method: not provided. Allele origin: germline. Inheritance: Autosomal recessive inheritance. Affected: yes.

PreventionGenetics, part of Exact Sciences
Classification: Likely benign for ADGRV1-related condition. Last evaluated: 2019-07-24. Review status: no assertion criteria provided. Collection method: clinical testing. Allele origin: germline. Not counted in ClinVar's aggregate classification.
Comment: This variant is classified as likely benign based on ACMG/AMP sequence variant interpretation guidelines (Richards et al. 2015 PMID: 25741868, with internal and published modifications).

Clinical Genetics, Academic Medical Center
Classification: Benign. Review status: no assertion criteria provided. Collection method: clinical testing. Allele origin: germline. Affected: yes. Study: VKGL Data-share Consensus. Not counted in ClinVar's aggregate classification.

Genome Diagnostics Laboratory, University Medical Center Utrecht
Classification: Likely benign. Review status: no assertion criteria provided. Collection method: clinical testing. Allele origin: germline. Affected: yes. Study: VKGL Data-share Consensus. Not counted in ClinVar's aggregate classification.

NM_032119.4(ADGRV1):c.14943G>C (p.Gln4981His)

Gene: ADGRV1 (adhesion G protein-coupled receptor V1; plus strand). Cytogenetic location: 5q14.3.
Variant type: single nucleotide variant.
Coding change: c.14943G>C on transcript NM_032119.4 (MANE Select); coding-DNA position 14943, G replaced by C.
Protein change: p.Gln4981His; replaces glutamine 4981 with histidine.
Molecular consequence: missense variant. On other transcripts: non-coding transcript variant (1).
Genome position (GRCh38, 1-based): chr5:90,807,708, G>C. VCF-style: chr5-90807708-G-C. GRCh37 (hg19) VCF-style: chr5-90103525-G-C.
Other names: short protein forms Q4981H.
Identifiers: ClinVar variation 178371 (VCV000178371.26), dbSNP rs200153555, ClinGen allele CA182200.